The following is an entry in ClinVar:

GRCh38/hg38 6q25.1-25.3(chr6:151786801-157471821)x1

Genes: ARID1B (AT-rich interaction domain 1B; plus strand), CLDN20 (claudin 20; plus strand), CNKSR3 (CNKSR family member 3; minus strand), ESR1 (estrogen receptor 1; plus strand), FBXO5 (F-box protein 5; minus strand) and 133 more. Cytogenetic location: 6q25.1-25.3.
Variant type: copy number loss.
Change: copy number 1 (one copy instead of two) of chr6:151,786,801-157,471,821 (5.69 Mb, GRCh38 coordinates, 1-based), cytogenetic band 6q25.1-25.3.
Identifiers: ClinVar variation 4755338 (VCV004755338.1).

ClinVar aggregate classification (germline): Pathogenic (1 of 4 stars; one submission).

Submission:

Clinical Genomics Laboratory, Laboratory for Precision Diagnostics, University of Washington
Classification: Pathogenic. Last evaluated: 2021-06-18. Review status: criteria provided, single submitter. Criteria: ACMG/ClinGen CNV Guidelines, 2019. Collection method: clinical testing. Allele origin: unknown. Affected: yes. Observed: 1 variant allele.
Comment: A heterozygous pathogenic deletion in 6q, with breakpoints in q25.1 and q25.3, was detected that encompasses the entirety of ARID1B. Heterozygous ARID1B loss of function variants, including whole gene deletions, are associated with ARID1B-related disorder.

Literature cited by the submitters: PubMed 30349098.